The following is an entry in ClinVar:

ClinVar aggregate classification (germline): Likely pathogenic (1 of 4 stars; one submission).

Conditions:
Methylmalonic acidemia due to methylmalonyl-CoA epimerase deficiency. Also called: Methylmalonyl-CoA Epimerase Deficiency; METHYLMALONIC ACIDURIA III; METHYLMALONYL-CoA RACEMASE DEFICIENCY. Identifiers: Orphanet 308425, MedGen C1855100, MONDO:0009615, OMIM 251120.

Submission:

Labcorp Genetics (formerly Invitae), Labcorp
Classification: Likely pathogenic for Methylmalonic acidemia due to methylmalonyl-CoA epimerase deficiency. Last evaluated: 2023-05-27. Review status: criteria provided, single submitter. Criteria: Invitae Variant Classification Sherloc (09022015). Collection method: clinical testing. Allele origin: germline.
Comment: In summary, the currently available evidence indicates that the variant is pathogenic, but additional data are needed to prove that conclusively. Therefore, this variant has been classified as Likely Pathogenic. Algorithms developed to predict the effect of sequence changes on RNA splicing suggest that this variant may disrupt the consensus splice site. This variant has not been reported in the literature in individuals affected with MCEE-related conditions. This variant is not present in population databases (gnomAD no frequency). This variant results in the deletion of part of exon 2 (c.375_378+4del) of the MCEE gene. It is expected to disrupt RNA splicing. Variants that disrupt the donor or acceptor splice site typically lead to a loss of protein function (PMID: 16199547), and loss-of-function variants in MCEE are known to be pathogenic (PMID: 16697227, 16752391, 30682498).

Literature cited by the submitters: PubMed 16199547; PubMed 16697227; PubMed 16752391; PubMed 30682498.

NM_032601.4(MCEE):c.375_378+4del

Gene: MCEE (methylmalonyl-CoA epimerase; minus strand). Cytogenetic location: 2p13.3.
Variant type: Deletion.
Coding change: c.375_378+4del on transcript NM_032601.4 (MANE Select); coding-DNA position 375 through 4 bases into the intron after coding-DNA position 378, 8 bases deleted (CGAGGTAT; older notation c.375_378+4delCGAGGTAT).
Molecular consequence: splice donor variant.
Genome position (GRCh38, 1-based): chr2:71,124,202-71,124,209, ATACCTCG deleted on the plus strand (CGAGGTAT on the coding strand, the reverse complement: MCEE is on the minus strand); deleting any 8 consecutive bases within chr2:71,124,202-71,124,211 gives the same sequence; the c. name uses the placement nearest the transcript's 3' end. VCF-style (leftmost placement, unchanged base first): chr2-71124201-AATACCTCG-A. GRCh37 (hg19) VCF-style: chr2-71351331-AATACCTCG-A.
Identifiers: ClinVar variation 2735271 (VCV002735271.1), dbSNP rs2465917425, ClinGen allele CA2697548208.
Genomic context (GRCh38, chr2:71,124,201, plus strand): 5'-AAAAAGTAGAAGACATTTTTTAAAAGAGAGATTTAAAATACCAGGCATTAAAATAATTAA[AATACCTCG>A]ATGCAGATGTGATGCATTCCTCCAGCCTTGTTTTTCTGCAGAAAACCTGCAATTGGACTG-3'